The following is an entry in ClinVar:

NM_152269.5(MTRFR):c.475T>C (p.Trp159Arg)

Gene: MTRFR (mitochondrial translation release factor in rescue; plus strand). Cytogenetic location: 12q24.31.
Variant type: single nucleotide variant.
Coding change: c.475T>C on transcript NM_152269.5 (MANE Select); coding-DNA position 475, T replaced by C.
Protein change: p.Trp159Arg; replaces tryptophan 159 with arginine.
Molecular consequence: missense variant.
Genome position (GRCh38, 1-based): chr12:123,257,005, T>C. VCF-style: chr12-123257005-T-C. GRCh37 (hg19) VCF-style: chr12-123741552-T-C.
Other names: c.475T>C, p.Trp159Arg (NM_001143905.2, NM_001194995.1); short protein forms W159R.
Identifiers: ClinVar variation 493127 (VCV000493127.48), dbSNP rs755467137, ClinGen allele CA6856614.
Genomic context (GRCh38, chr12:123,257,005, plus strand): 5'-CAAGAAAGGAAAAAAAGAGCAAAGGAAACCCTGGAAAAAAAGAAGCTACTTAAAGAACTG[T>C]GGGAGTCAAGTAAAAAGGTCCACTGAGAAAAGAATTAGAGATTCCAACTGACAGAATCTG-3'
Protein context (NP_689482.1, residues 149-166): LEKKKLLKEL[Trp159Arg]ESSKKVH

ClinVar aggregate classification (germline): Conflicting classifications of pathogenicity. Review status: criteria provided, conflicting classifications (1 of 4 stars). 2 submissions from 2 submitters: Uncertain significance (1); Likely benign (1). Last evaluated 2025-05-01.

Conditions:
Combined oxidative phosphorylation defect type 7. Identifiers: Orphanet 254930, MedGen C3150801, MONDO:0013306, OMIM 613559.
Spastic paraplegia. Identifiers: MedGen C0037772, HP:0001258.

Allele frequency attached by ClinVar (database versions not stated): gnomAD 0.00001 and 0.00003; gnomAD exomes 0.00001; TOPMed 0.00001; ExAC 0.00002.
gnomAD v4.1: 25 of 1,612,614 alleles (0.0016%); highest among the groups gnomAD compares: Middle Eastern, 0.035%; no homozygotes.

Submissions (2):

CeGaT Center for Human Genetics Tuebingen
Classification: Likely benign. Last evaluated: 2025-05-01. Review status: criteria provided, single submitter. Criteria: CeGaT Center For Human Genetics Tuebingen Variant Classification Criteria Version 2. Collection method: clinical testing. Allele origin: germline. Affected: yes. Observed: 5 variant alleles.
Comment: MTRFR: BP4

Labcorp Genetics (formerly Invitae), Labcorp
Classification: Uncertain significance for Combined oxidative phosphorylation defect type 7; Spastic paraplegia. Last evaluated: 2021-10-03. Review status: criteria provided, single submitter. Criteria: Invitae Variant Classification Sherloc (09022015). Collection method: clinical testing. Allele origin: germline.
Comment: In summary, the available evidence is currently insufficient to determine the role of this variant in disease. Therefore, it has been classified as a Variant of Uncertain Significance. Algorithms developed to predict the effect of missense changes on protein structure and function output the following: SIFT: "Tolerated"; PolyPhen-2: "Not Available"; Align-GVGD: "Class C0". The arginine amino acid residue is found in multiple mammalian species, which suggests that this missense change does not adversely affect protein function. ClinVar contains an entry for this variant (Variation ID: 493127). This variant has not been reported in the literature in individuals affected with C12orf65-related conditions. This variant is present in population databases (rs755467137, ExAC 0.003%). This sequence change replaces tryptophan with arginine at codon 159 of the C12orf65 protein (p.Trp159Arg). The tryptophan residue is weakly conserved and there is a moderate physicochemical difference between tryptophan and arginine.